The following is an entry in ClinVar:

NM_007098.4(CLTCL1):c.1390G>A (p.Gly464Arg)

Genes: CLTCL1 (clathrin heavy chain like 1; minus strand), LOC126863097 (BRD4-independent group 4 enhancer GRCh37_chr22:19220751-19221950; plus strand). Cytogenetic location: 22q11.21.
Variant type: single nucleotide variant.
Coding change: c.1390G>A on transcript NM_007098.4 (MANE Select); coding-DNA position 1390, G replaced by A.
Protein change: p.Gly464Arg; replaces glycine 464 with arginine.
Molecular consequence: missense variant.
Genome position (GRCh38, 1-based): chr22:19,233,297, C>T on the plus strand (G>A on the coding strand, the complement: CLTCL1 is on the minus strand). VCF-style: chr22-19233297-C-T. GRCh37 (hg19) VCF-style: chr22-19220820-C-T.
Other names: p.Gly464Arg; c.1390G>A, p.Gly464Arg (NM_001835.4); short protein forms G464R.
Identifiers: ClinVar variation 2405569 (VCV002405569.4), dbSNP rs782545864, ClinGen allele CA10098687.

ClinVar aggregate classification (germline): Uncertain significance. Review status: criteria provided, multiple submitters, no conflicts (2 of 4 stars). 2 submissions from 2 submitters: Uncertain significance (2). Last evaluated 2025-08-14.

Allele frequency attached by ClinVar (database versions not stated): gnomAD exomes 0.00003; TOPMed 0.00003; gnomAD 0.00004; ExAC 0.00005.

Submissions (2):

Mayo Clinic Laboratories, Mayo Clinic
Classification: Uncertain significance. Last evaluated: 2025-08-14. Review status: criteria provided, single submitter. Criteria: ACMG Guidelines, 2015. Collection method: clinical testing. Allele origin: germline. Observed: 1 variant allele.
Comment: PP3_moderate

Ambry Genetics
Classification: Uncertain significance. Last evaluated: 2025-06-03. Review status: criteria provided, single submitter. Criteria: Ambry Variant Classification Scheme 2023. Collection method: clinical testing. Allele origin: germline.